The following is an entry in ClinVar:

NM_001128840.3(CACNA1D):c.6193-4A>G

Gene: CACNA1D (calcium voltage-gated channel subunit alpha1 D; plus strand). Cytogenetic location: 3p21.1.
Variant type: single nucleotide variant.
Coding change: c.6193-4A>G on transcript NM_001128840.3 (MANE Select); 4 bases into the intron before coding-DNA position 6193, A replaced by G.
Molecular consequence: intron variant.
Genome position (GRCh38, 1-based): chr3:53,811,109, A>G. VCF-style: chr3-53811109-A-G. GRCh37 (hg19) VCF-style: chr3-53845136-A-G.
Other names: c.6121-4A>G (NM_001128839.3); c.6253-4A>G (NM_000720.4).
Identifiers: ClinVar variation 505796 (VCV000505796.8), dbSNP rs756630418, ClinGen allele CA2455399.

ClinVar aggregate classification (germline): Likely benign. Review status: criteria provided, multiple submitters, no conflicts (2 of 4 stars). 3 submissions from 3 submitters: Likely benign (3). Last evaluated 2025-11-25.

Allele frequency attached by ClinVar (database versions not stated): gnomAD exomes below 0.00001 and 0.00002; ExAC 0.00001; gnomAD 0.00001; TOPMed 0.00001.
gnomAD v4.1: 34 of 1,613,042 alleles (0.0021%); highest among the groups gnomAD compares: Non-Finnish European, 0.0027%; no homozygotes.

Submissions (3):

Labcorp Genetics (formerly Invitae), Labcorp
Classification: Likely benign. Last evaluated: 2025-11-25. Review status: criteria provided, single submitter. Criteria: Invitae Variant Classification Sherloc (09022015). Collection method: clinical testing. Allele origin: germline.

Blueprint Genetics
Classification: Likely benign. Last evaluated: 2023-06-22. Review status: criteria provided, single submitter. Criteria: ACMG Guidelines, 2015. Collection method: clinical testing. Allele origin: germline.

Laboratory for Molecular Medicine, Mass General Brigham Personalized Medicine
Classification: Likely benign. Last evaluated: 2017-05-20. Review status: criteria provided, single submitter. Criteria: LMM Criteria. Collection method: clinical testing. Allele origin: germline. Observed: 1 variant allele.
Comment: c.6253-4A>G in intron 48 of CACNA1D: This variant is not expected to have clinic al significance because it is not located within the splice consensus sequence. It has been identified in in 3/126664 European chromosomes by the Genome Aggrega tion Database (gnomAD; dbSNP rs756630418).